The following is an entry in ClinVar:

ClinVar aggregate classification (germline): Benign. Review status: criteria provided, multiple submitters, no conflicts (2 of 4 stars). 6 submissions from 6 submitters: Benign (5). 1 of the submissions does not count toward it. Last evaluated 2025-12-22.

Conditions:
Episodic ataxia type 5. Identifiers: Orphanet 211067, MedGen C1866039, MONDO:0013464, OMIM 613855.
Idiopathic generalized epilepsy. Also called: Generalised epilepsy; EIG. Identifiers: MedGen C0270850, MONDO:0005579, OMIM 600669.

Allele frequency attached by ClinVar (database versions not stated): gnomAD exomes 0.02924 and 0.03136; ExAC 0.03297; 1000 Genomes Project 0.05032; 1000 Genomes Project 30x 0.05200; gnomAD 0.05305 and 0.05586; TOPMed 0.05695; ESP Exome Variant Server 0.05782.
gnomAD v4.1: 50,645 of 1,594,974 alleles (3.2%); highest among the groups gnomAD compares: African/African-American, 12%; 1,231 homozygotes.

Submissions (6):

Labcorp Genetics (formerly Invitae), Labcorp
Classification: Benign for Idiopathic generalized epilepsy. Last evaluated: 2025-12-22. Review status: criteria provided, single submitter. Criteria: Invitae Variant Classification Sherloc (09022015). Collection method: clinical testing. Allele origin: germline.

Athena Diagnostics
Classification: Benign. Last evaluated: 2023-11-16. Review status: criteria provided, single submitter. Criteria: Athena Diagnostics Criteria. Collection method: clinical testing. Allele origin: unknown.

Illumina Laboratory Services, Illumina
Classification: Benign for Episodic ataxia type 5. Last evaluated: 2018-01-12. Review status: criteria provided, single submitter. Criteria: ICSL Variant Classification Criteria 13 December 2019. Collection method: clinical testing. Allele origin: germline.
Comment: This variant was observed in the ICSL laboratory as part of a predisposition screen in an ostensibly healthy population. It had not been previously curated by ICSL or reported in the Human Gene Mutation Database (HGMD: prior to June 1st, 2018), and was therefore a candidate for classification through an automated scoring system. Utilizing variant allele frequency, disease prevalence and penetrance estimates, and inheritance mode, an automated score was calculated to assess if this variant is too frequent to cause the disease. Based on the score and internal cut-off values, a variant classified as benign is not then subjected to further curation. The score for this variant resulted in a classification of benign for this disease.

GeneDx
Classification: Benign. Last evaluated: 2015-03-03. Review status: criteria provided, single submitter. Criteria: GeneDx Variant Classification Process June 2021. Collection method: clinical testing. Allele origin: germline. Affected: yes.

Breakthrough Genomics
Classification: Benign. Review status: criteria provided, single submitter. Criteria: ACMG Guidelines, 2015. Collection method: not provided. Allele origin: germline. Inheritance: Autosomal dominant inheritance. Affected: yes.

Genetic Services Laboratory, University of Chicago
Classification: Likely benign for AllHighlyPenetrant. Review status: no assertion criteria provided. Collection method: clinical testing. Allele origin: germline. Inheritance: Autosomal dominant inheritance. Not counted in ClinVar's aggregate classification.
Comment: Likely benign based on allele frequency in 1000 Genomes Project or ESP global frequency and its presence in a patient with a rare or unrelated disease phenotype. NOT Sanger confirmed.

NM_000726.5(CACNB4):c.762T>A (p.Ile254=)

Gene: CACNB4 (calcium voltage-gated channel auxiliary subunit beta 4; minus strand). Cytogenetic location: 2q23.3.
Variant type: single nucleotide variant.
Coding change: c.762T>A on transcript NM_000726.5 (MANE Select); coding-DNA position 762, T replaced by A.
Protein change: p.Ile254=; no amino-acid change (isoleucine 254 retained).
Molecular consequence: synonymous variant. On other transcripts: intron variant (3).
Genome position (GRCh38, 1-based): chr2:151,860,817, A>T on the plus strand (T>A on the coding strand, the complement: CACNB4 is on the minus strand). VCF-style: chr2-151860817-A-T. GRCh37 (hg19) VCF-style: chr2-152717331-A-T.
Other names: c.708T>A, p.Ile236= (NM_001005746.4); c.660T>A, p.Ile220= (NM_001005747.4); c.762T>A, p.Ile254= (NM_001145798.3); c.621T>A, p.Ile207= (NM_001320722.3, NM_001330118.2); c.108T>A, p.Ile36= (NM_001330114.2); c.204T>A, p.Ile68= (NM_001330117.2); c.626-5442T>A (NM_001330113.2); c.578-5442T>A (NM_001330115.2); and 1 more.
Identifiers: ClinVar variation 128563 (VCV000128563.23), dbSNP rs61736804, ClinGen allele CA152130.
Genomic context (GRCh38, chr2:151,860,817, plus strand): 5'-GGGATTATTTAGGACAGACCTCTTAGCAAGAGAAATGTCAGCTGTCACTCTCGTTATTGA[A>T]ATCCTATGAATAGGAACACAGAACAGAACAAGCCAGTAAAAATGTTATGGGGCTCTCCAA-3'
Protein context (NP_000717.2, residues 244-264): DFLKHRFDGR[Ile254=]SITRVTADIS